The following is an entry in ClinVar:

NM_139137.4(KCNC2):c.*1995T>C

Gene: KCNC2 (potassium voltage-gated channel subfamily C member 2; minus strand). Cytogenetic location: 12q21.1.
Variant type: single nucleotide variant.
Coding change: c.*1995T>C on transcript NM_139137.4 (MANE Select); 1995 bases downstream of the stop codon, T replaced by C.
Molecular consequence: 3 prime UTR variant. On other transcripts: non-coding transcript variant (2), missense variant (1).
Genome position (GRCh38, 1-based): chr12:75,041,110, A>G on the plus strand (T>C on the coding strand, the complement: KCNC2 is on the minus strand). VCF-style: chr12-75041110-A-G. GRCh37 (hg19) VCF-style: chr12-75434890-A-G.
Other names: c.*1995T>C (NM_001414194.1, NM_001260499.2, NM_001414192.1 and 1 more transcripts); c.*372T>C (NM_001414195.1); c.*130T>C (NM_001414196.1, NM_139136.4, NM_153748.3); c.*2627T>C (NM_001414197.1, NM_001414198.1, NM_001260497.2); c.*274T>C (NM_001414199.1); c.*2177T>C (NM_001414202.1); c.*2749T>C (NM_001414206.1, NM_001414213.1); c.1877T>C, p.Leu626Pro (NM_001260498.2); short protein forms L626P.
Identifiers: ClinVar variation 4882838 (VCV004882838.2).

ClinVar aggregate classification (germline): Uncertain significance (1 of 4 stars; one submission).

gnomAD v4.1: 2 of 1,596,482 alleles (0.00013%); highest among the groups gnomAD compares: South Asian, 0.0011%; no homozygotes.

Submission:

Dasa
Classification: Uncertain significance. Last evaluated: 2025-01-09. Review status: criteria provided, single submitter. Criteria: DASA Assertion Criteria. Collection method: clinical testing. Allele origin: germline.
Comment: NM_001260498.2(KCNC2):c.1877T>C (p.Leu626Pro) is a missense variant that results in the substitution of leucine with proline. This variant is rare in population databases. The currently available literature and clinical evidence are not sufficient to establish a definitive association between this variant and the reported condition. Therefore, this variant is classified as a variant of uncertain significance.